The following is an entry in ClinVar:

ClinVar aggregate classification (germline): Uncertain significance. Review status: criteria provided, multiple submitters, no conflicts (2 of 4 stars). 2 submissions from 2 submitters: Uncertain significance (2). Last evaluated 2025-11-03.

Conditions:
Inborn genetic diseases. Identifiers: MedGen C0950123, MeSH D030342.
Muscle AMP deaminase deficiency (MMDD). Also called: ADENOSINE MONOPHOSPHATE DEAMINASE-1 DEFICIENCY, MYOPATHY DUE TO; AMPD1 DEFICIENCY; Myoadenylate deaminase deficiency, myopathy due to; Adenosine monophosphate deaminase 1 deficiency; AMP deaminase 1 deficiency; Adenosine Monophosphate Deaminase 1. Identifiers: Orphanet 45, MedGen C3714933, MONDO:0014220, OMIM 615511.

Allele frequency attached by ClinVar (database versions not stated): gnomAD 0.00006; TOPMed 0.00011; ExAC 0.00012; gnomAD exomes 0.00012.
gnomAD v4.1: 71 of 1,612,716 alleles (0.0044%); highest among the groups gnomAD compares: Admixed American, 0.048%; no homozygotes.

Submissions (2):

Ambry Genetics
Classification: Uncertain significance for Inborn genetic diseases. Last evaluated: 2025-11-03. Review status: criteria provided, single submitter. Criteria: Ambry Variant Classification Scheme 2023. Collection method: clinical testing. Allele origin: germline.

Labcorp Genetics (formerly Invitae), Labcorp
Classification: Uncertain significance for Muscle AMP deaminase deficiency. Last evaluated: 2022-10-04. Review status: criteria provided, single submitter. Criteria: Invitae Variant Classification Sherloc (09022015). Collection method: clinical testing. Allele origin: germline.
Comment: This sequence change replaces arginine, which is basic and polar, with histidine, which is basic and polar, at codon 464 of the AMPD1 protein (p.Arg464His). This variant is present in population databases (rs61757695, gnomAD 0.08%). This variant has not been reported in the literature in individuals affected with AMPD1-related conditions. ClinVar contains an entry for this variant (Variation ID: 1506703). Algorithms developed to predict the effect of missense changes on protein structure and function are either unavailable or do not agree on the potential impact of this missense change (SIFT: "Tolerated"; PolyPhen-2: "Probably Damaging"; Align-GVGD: "Class C0"). In summary, the available evidence is currently insufficient to determine the role of this variant in disease. Therefore, it has been classified as a Variant of Uncertain Significance.

NM_000036.3(AMPD1):c.1292G>A (p.Arg431His)

Gene: AMPD1 (adenosine monophosphate deaminase 1; minus strand). Cytogenetic location: 1p13.2.
Variant type: single nucleotide variant.
Coding change: c.1292G>A on transcript NM_000036.3 (MANE Select); coding-DNA position 1292, G replaced by A.
Protein change: p.Arg431His; replaces arginine 431 with histidine.
Molecular consequence: missense variant.
Genome position (GRCh38, 1-based): chr1:114,677,447, C>T on the plus strand (G>A on the coding strand, the complement: AMPD1 is on the minus strand). VCF-style: chr1-114677447-C-T. GRCh37 (hg19) VCF-style: chr1-115220068-C-T.
Other names: c.1280G>A, p.Arg427His (NM_001172626.2); c.1391G>A (NM_000036.2); short protein forms R427H, R431H.
Identifiers: ClinVar variation 1506703 (VCV001506703.5), dbSNP rs61757695, ClinGen allele CA1020160.